The following is an entry in ClinVar:

ClinVar aggregate classification (germline): Benign/Likely benign. Review status: criteria provided, multiple submitters, no conflicts (2 of 4 stars). 4 submissions from 4 submitters: Benign (3); Likely benign (1). Last evaluated 2026-02-01.

Conditions:
Primary hypomagnesemia (HOMG3). Also called: HYPOMAGNESEMIA 3, RENAL; HYPOMAGNESEMIA, FAMILIAL, WITH HYPERCALCIURIA AND NEPHROCALCINOSIS; HYPOMAGNESEMIA, ISOLATED RENAL; HYPOMAGNESEMIA, PRIMARY, DUE TO DEFECT IN RENAL TUBULAR TRANSPORT OF MAGNESIUM. Identifiers: Orphanet 31043, MedGen C0268448, MONDO:0009550, OMIM 248250.

Allele frequency attached by ClinVar (database versions not stated): gnomAD exomes 0.00018 and 0.00036; ExAC 0.00043; 1000 Genomes Project 30x 0.00062; 1000 Genomes Project 0.00080; gnomAD 0.00125 and 0.00135; TOPMed 0.00127; ESP Exome Variant Server 0.00154.
gnomAD v4.1: 466 of 1,614,166 alleles (0.029%); highest among the groups gnomAD compares: African/African-American, 0.48%; 2 homozygotes.

Submissions (4):

Labcorp Genetics (formerly Invitae), Labcorp
Classification: Benign. Last evaluated: 2026-02-01. Review status: criteria provided, single submitter. Criteria: Invitae Variant Classification Sherloc (09022015). Collection method: clinical testing. Allele origin: germline.

Fulgent Genetics
Classification: Benign for Primary hypomagnesemia. Last evaluated: 2021-08-02. Review status: criteria provided, single submitter. Criteria: ACMG Guidelines, 2015. Collection method: clinical testing. Allele origin: unknown.

GeneDx
Classification: Likely benign. Last evaluated: 2020-09-09. Review status: criteria provided, single submitter. Criteria: GeneDx Variant Classification Process June 2021. Collection method: clinical testing. Allele origin: germline. Affected: yes.
Comment: See Variant Classification Assertion Criteria.

Breakthrough Genomics
Classification: Benign. Review status: criteria provided, single submitter. Criteria: ACMG Guidelines, 2015. Collection method: not provided. Allele origin: germline. Inheritance: Autosomal recessive inheritance. Affected: yes.

NM_006580.4(CLDN16):c.532T>C (p.Leu178=)

Gene: CLDN16 (claudin 16; plus strand). Cytogenetic location: 3q28.
Variant type: single nucleotide variant.
Coding change: c.532T>C on transcript NM_006580.4 (MANE Select); coding-DNA position 532, T replaced by C.
Protein change: p.Leu178=; no amino-acid change (leucine 178 retained).
Molecular consequence: synonymous variant.
Genome position (GRCh38, 1-based): chr3:190,408,463, T>C. VCF-style: chr3-190408463-T-C. GRCh37 (hg19) VCF-style: chr3-190126252-T-C.
Other names: c.532T>C, p.Leu178= (NM_001378492.1, NM_001378493.1).
Identifiers: ClinVar variation 734800 (VCV000734800.13), dbSNP rs143316426, ClinGen allele CA2753888.
Genomic context (GRCh38, chr3:190,408,463, plus strand): 5'-ATCCAATATAAATTTGGTTGGTCCTGTTGGCTCGGAATGGCTGGGTCTCTGGGTTGCTTT[T>C]TGGCTGGAGCTGTTCTCACCTGCTGCTTATATCTTTTTAAAGGTAAGAATAAAATAAAAT-3'
Protein context (NP_006571.2, residues 168-188): LGMAGSLGCF[Leu178=]AGAVLTCCLY